The following is an entry in ClinVar:

NM_182641.4(BPTF):c.5860A>G (p.Ile1954Val)

Gene: BPTF (bromodomain PHD finger transcription factor; plus strand). Cytogenetic location: 17q24.2.
Variant type: single nucleotide variant.
Coding change: c.5860A>G on transcript NM_182641.4 (MANE Select); coding-DNA position 5860, A replaced by G.
Protein change: p.Ile1954Val; replaces isoleucine 1954 with valine.
Molecular consequence: missense variant.
Genome position (GRCh38, 1-based): chr17:67,928,463, A>G. VCF-style: chr17-67928463-A-G. GRCh37 (hg19) VCF-style: chr17-65924579-A-G.
Other names: c.6238A>G, p.Ile2080Val (NM_004459.7); short protein forms I1954V, I2080V.
Identifiers: ClinVar variation 2101827 (VCV002101827.4), dbSNP rs780227340, ClinGen allele CA8726051.
Genomic context (GRCh38, chr17:67,928,463, plus strand): 5'-TCCCCAACAAGCAGTACAACCAGCACCATCTCTCCAGCACAGAAGGTTATGGTGGCCCCC[A>G]TAAGTGGCTCAGTTACAACTGGAACCAAAATGGTACTAACTACTAAAGTTGGATCTCCAG-3'
Protein context (NP_872579.2, residues 1944-1964): SPAQKVMVAP[Ile1954Val]SGSVTTGTKM

ClinVar aggregate classification (germline): Uncertain significance (1 of 4 stars; one submission).

Allele frequency attached by ClinVar (database versions not stated): gnomAD 0.00001; ExAC 0.00001; TOPMed 0.00002.
gnomAD v4.1: 11 of 1,614,062 alleles (0.00068%); highest among the groups gnomAD compares: Admixed American, 0.0067%; no homozygotes.

Submission:

Labcorp Genetics (formerly Invitae), Labcorp
Classification: Uncertain significance. Last evaluated: 2025-12-13. Review status: criteria provided, single submitter. Criteria: Invitae Variant Classification Sherloc (09022015). Collection method: clinical testing. Allele origin: germline.
Comment: This sequence change replaces isoleucine, which is neutral and non-polar, with valine, which is neutral and non-polar, at codon 2080 of the BPTF protein (p.Ile2080Val). This variant is present in population databases (rs780227340, gnomAD 0.01%). This missense change has been observed in individual(s) with clinical features of BPTF-related conditions (internal data). ClinVar contains an entry for this variant (Variation ID: 2101827). An algorithm developed to predict the effect of missense changes on protein structure and function (PolyPhen-2) suggests that this variant is likely to be tolerated. Algorithms developed to predict the effect of sequence changes on RNA splicing suggest that this variant may create or strengthen a splice site. In summary, the available evidence is currently insufficient to determine the role of this variant in disease. Therefore, it has been classified as a Variant of Uncertain Significance.